The following is an entry in ClinVar:

NM_002210.5(ITGAV):c.224C>T (p.Thr75Ile)

Gene: ITGAV (integrin subunit alpha V; plus strand). Cytogenetic location: 2q32.1.
Variant type: single nucleotide variant.
Coding change: c.224C>T on transcript NM_002210.5 (MANE Select); coding-DNA position 224, C replaced by T.
Protein change: p.Thr75Ile; replaces threonine 75 with isoleucine.
Molecular consequence: missense variant.
Genome position (GRCh38, 1-based): chr2:186,602,059, C>T. VCF-style: chr2-186602059-C-T. GRCh37 (hg19) VCF-style: chr2-187466786-C-T.
Other names: c.86C>T, p.Thr29Ile (NM_001144999.3); c.224C>T, p.Thr75Ile (NM_001145000.3); short protein forms T29I, T75I.
Identifiers: ClinVar variation 3027417 (VCV003027417.22), dbSNP rs2105655315, ClinGen allele CA349974102.

ClinVar aggregate classification (germline): Uncertain significance (1 of 4 stars; one submission).

Submission:

CeGaT Center for Human Genetics Tuebingen
Classification: Uncertain significance. Last evaluated: 2024-02-01. Review status: criteria provided, single submitter. Criteria: CeGaT Center For Human Genetics Tuebingen Variant Classification Criteria Version 2. Collection method: clinical testing. Allele origin: germline. Affected: yes. Observed: 1 variant allele.
Comment: ITGAV: PM2